The following is an entry in ClinVar:

ClinVar aggregate classification (germline): Benign (1 of 4 stars; one submission).

Conditions:
MELAS syndrome (MELAS). Also called: Juvenile myopathy, encephalopathy, lactic acidosis, stroke. Identifiers: Orphanet 550, MedGen C0162671, MONDO:0010789, OMIM 540000.

Submission:

Wong Mito Lab, Molecular and Human Genetics, Baylor College of Medicine
Classification: Benign for MELAS syndrome. Last evaluated: 2019-07-12. Review status: criteria provided, single submitter. Criteria: Modified ACMG Guidelines (Unpublished). Collection method: clinical testing. Allele origin: germline.
Comment: The NC_012920.1:m.7521G>A variant in MT-TD gene is interpreted to be a Benign variant based on the modified ACMG guidelines (unpublished). This variant meets the following evidence codes reported in the guidelines: BA1, BP4

Literature cited by the submitters: PubMed 31965079.

NC_012920.1(MT-TD):m.7521G>A

Gene: MT-TD (mitochondrially encoded tRNA aspartic acid; plus strand).
Variant type: single nucleotide variant.
Genome position: chrM-7521-G-A.
Identifiers: ClinVar variation 690037 (VCV000690037.1), dbSNP rs200336937, ClinGen allele CA337097648.